The following is an entry in ClinVar:

ClinVar aggregate classification (germline): Conflicting classifications of pathogenicity. Review status: criteria provided, conflicting classifications (1 of 4 stars). 2 submissions from 2 submitters: Pathogenic (1); Uncertain significance (1). Last evaluated 2026-02-05.

Conditions:
Hereditary cancer-predisposing syndrome. Also called: Tumor predisposition; Hereditary neoplastic syndrome; Hereditary Cancer Syndrome; Neoplastic Syndromes, Hereditary. Identifiers: Orphanet 140162, MedGen C0027672, MeSH D009386, MONDO:0015356.

Submissions (2):

Ambry Genetics
Classification: Uncertain significance for Hereditary cancer-predisposing syndrome. Last evaluated: 2026-02-05. Review status: criteria provided, single submitter. Criteria: Ambry Variant Classification Scheme 2023. Collection method: clinical testing. Allele origin: germline.
Comment: The c.4542delG variant, located in coding exon 35 of the POLE gene, results from a deletion of one nucleotide at nucleotide position 4542, causing a translational frameshift with a predicted alternate stop codon (p.L1515Wfs*47). This alteration is expected to result in loss of function by premature protein truncation or nonsense-mediated mRNA decay. Although biallelic loss of function of POLE has been associated with autosomal recessive POLE deficiency, haploinsufficiency of POLE has not been established as a mechanism of disease for POLE-related polymerase proofreading-associated polyposis (PPAP) and POLE-related CMMRD-like syndrome. Based on the supporting evidence, this variant is expected to be causative of POLE deficiency when present along with a second pathogenic variant on the other allele; however, its clinical significance for PPAP and POLE-related CMMRD-like syndrome is unclear.

Labcorp Genetics (formerly Invitae), Labcorp
Classification: Pathogenic. Last evaluated: 2025-05-09. Review status: criteria provided, single submitter. Criteria: Invitae Variant Classification Sherloc (09022015). Collection method: clinical testing. Allele origin: germline.
Comment: This sequence change creates a premature translational stop signal (p.Leu1515Trpfs*47) in the POLE gene. It is expected to result in an absent or disrupted protein product. Loss-of-function variants in POLE are known to be pathogenic (PMID: 23230001, 25948378, 30503519). This variant is not present in population databases (gnomAD no frequency). This variant has not been reported in the literature in individuals affected with POLE-related conditions. ClinVar contains an entry for this variant (Variation ID: 240527). For these reasons, this variant has been classified as Pathogenic.

Literature cited by the submitters: PubMed 23230001 (cited by Labcorp Genetics (formerly Invitae), Labcorp); PubMed 25948378 (cited by Labcorp Genetics (formerly Invitae), Labcorp); PubMed 30503519 (cited by Labcorp Genetics (formerly Invitae), Labcorp).

NM_006231.4(POLE):c.4542del (p.Leu1515fs)

Gene: POLE (DNA polymerase epsilon, catalytic subunit; minus strand). Cytogenetic location: 12q24.33.
Variant type: Deletion.
Coding change: c.4542del on transcript NM_006231.4 (MANE Select); coding-DNA position 4542, one base deleted (G; older notation c.4542delG).
Protein change: p.Leu1515fs; shifts the reading frame from leucine 1515.
Molecular consequence: frameshift variant.
Genome position (GRCh38, 1-based): chr12:132,643,233, C deleted on the plus strand (G on the coding strand, the reverse complement: POLE is on the minus strand). VCF-style (leftmost placement, unchanged base first): chr12-132643232-GC-G. GRCh37 (hg19) VCF-style: chr12-133219818-GC-G.
Other names: short protein forms L1515fs.
Identifiers: ClinVar variation 240527 (VCV000240527.16), dbSNP rs878854874, ClinGen allele CA10582987.